The following is an entry in ClinVar:

ClinVar aggregate classification (germline): Uncertain significance (1 of 4 stars; one submission).

gnomAD v4.1: 1 of 1,147,041 alleles (0.000087%); highest among the groups gnomAD compares: Non-Finnish European, 0.00012%; no homozygotes.

Submission:

GeneDx
Classification: Uncertain significance. Last evaluated: 2026-03-24. Review status: criteria provided, single submitter. Criteria: GeneDx Variant Classification Process June 2021. Collection method: clinical testing. Allele origin: germline.
Comment: Not observed at significant frequency in large population cohorts (gnomAD); In silico analysis suggests that this missense variant does not alter protein structure/function; Has not been previously published as pathogenic or benign to our knowledge

NM_139058.3(ARX):c.1495G>T (p.Ala499Ser)

Gene: ARX (aristaless related homeobox; minus strand). Cytogenetic location: Xp21.3.
Variant type: single nucleotide variant.
Coding change: c.1495G>T on transcript NM_139058.3 (MANE Select); coding-DNA position 1495, G replaced by T.
Protein change: p.Ala499Ser; replaces alanine 499 with serine.
Molecular consequence: missense variant.
Genome position (GRCh38, 1-based): chrX:25,004,864, C>A on the plus strand (G>T on the coding strand, the complement: ARX is on the minus strand). VCF-style: chrX-25004864-C-A. GRCh37 (hg19) VCF-style: chrX-25022981-C-A.
Other names: short protein forms A499S.
Identifiers: ClinVar variation 5018455 (VCV005018455.1).